The following is an entry in ClinVar:

NM_213606.4(SLC16A12):c.1486A>G (p.Arg496Gly)

Gene: SLC16A12 (solute carrier family 16 member 12; minus strand). Cytogenetic location: 10q23.31.
Variant type: single nucleotide variant.
Coding change: c.1486A>G on transcript NM_213606.4 (MANE Select); coding-DNA position 1486, A replaced by G.
Protein change: p.Arg496Gly; replaces arginine 496 with glycine.
Molecular consequence: missense variant.
Genome position (GRCh38, 1-based): chr10:89,433,129, T>C on the plus strand (A>G on the coding strand, the complement: SLC16A12 is on the minus strand). VCF-style: chr10-89433129-T-C. GRCh37 (hg19) VCF-style: chr10-91192886-T-C.
Other names: short protein forms R496G.
Identifiers: ClinVar variation 2394640 (VCV002394640.5), dbSNP rs775480404, ClinGen allele CA5595309.

ClinVar aggregate classification (germline): Uncertain significance. Review status: criteria provided, multiple submitters, no conflicts (2 of 4 stars). 3 submissions from 3 submitters: Uncertain significance (2). 1 of the submissions does not count toward it. Last evaluated 2024-06-03.

Conditions:
SLC16A12-related disorder. Also called: SLC16A12-related condition.

Allele frequency attached by ClinVar (database versions not stated): ExAC 0.00008; gnomAD 0.00008; TOPMed 0.00011; gnomAD exomes 0.00017.
gnomAD v4.1: 259 of 1,614,088 alleles (0.016%); highest among the groups gnomAD compares: Admixed American, 0.028%; no homozygotes.

Submissions (3):

Labcorp Genetics (formerly Invitae), Labcorp
Classification: Uncertain significance. Last evaluated: 2024-06-03. Review status: criteria provided, single submitter. Criteria: Invitae Variant Classification Sherloc (09022015). Collection method: clinical testing. Allele origin: germline.
Comment: This sequence change replaces arginine, which is basic and polar, with glycine, which is neutral and non-polar, at codon 496 of the SLC16A12 protein (p.Arg496Gly). This variant is present in population databases (rs775480404, gnomAD 0.02%). This variant has not been reported in the literature in individuals affected with SLC16A12-related conditions. ClinVar contains an entry for this variant (Variation ID: 2394640). Algorithms developed to predict the effect of missense changes on protein structure and function output the following: SIFT: "Not Available"; PolyPhen-2: "Benign"; Align-GVGD: "Not Available". The glycine amino acid residue is found in multiple mammalian species, which suggests that this missense change does not adversely affect protein function. In summary, the available evidence is currently insufficient to determine the role of this variant in disease. Therefore, it has been classified as a Variant of Uncertain Significance.

Ambry Genetics
Classification: Uncertain significance. Last evaluated: 2021-09-16. Review status: criteria provided, single submitter. Criteria: Ambry Variant Classification Scheme 2023. Collection method: clinical testing. Allele origin: germline.

PreventionGenetics, part of Exact Sciences
Classification: Uncertain significance for SLC16A12-related condition. Last evaluated: 2024-08-09. Review status: no assertion criteria provided. Collection method: clinical testing. Allele origin: germline. Not counted in ClinVar's aggregate classification.
Comment: The SLC16A12 c.1486A>G variant is predicted to result in the amino acid substitution p.Arg496Gly. To our knowledge, this variant has not been reported in the literature. This variant is reported in 0.023% of alleles in individuals of Latino descent in gnomAD, which is likely too frequent for an unreported disease causing variant. Although we suspect that this variant may be benign, at this time, the clinical significance of this variant is uncertain due to the absence of conclusive functional and genetic evidence.